The following is an entry in ClinVar:

NM_001170629.2(CHD8):c.6733G>C (p.Gly2245Arg)

Gene: CHD8 (chromodomain helicase DNA binding protein 8; minus strand). Cytogenetic location: 14q11.2.
Variant type: single nucleotide variant.
Coding change: c.6733G>C on transcript NM_001170629.2 (MANE Select); coding-DNA position 6733, G replaced by C.
Protein change: p.Gly2245Arg; replaces glycine 2245 with arginine.
Molecular consequence: missense variant.
Genome position (GRCh38, 1-based): chr14:21,392,545, C>G on the plus strand (G>C on the coding strand, the complement: CHD8 is on the minus strand). VCF-style: chr14-21392545-C-G. GRCh37 (hg19) VCF-style: chr14-21860704-C-G.
Other names: c.5896G>C, p.Gly1966Arg (NM_020920.4); short protein forms G1966R, G2245R.
Identifiers: ClinVar variation 2899714 (VCV002899714.3), dbSNP rs769311687, ClinGen allele CA7090727.

ClinVar aggregate classification (germline): Uncertain significance (1 of 4 stars; one submission).

Allele frequency attached by ClinVar (database versions not stated): gnomAD 0.00001.
gnomAD v4.1: 9 of 1,613,000 alleles (0.00056%); highest among the groups gnomAD compares: South Asian, 0.0088%; 1 homozygote.

Submission:

Labcorp Genetics (formerly Invitae), Labcorp
Classification: Uncertain significance. Last evaluated: 2023-06-06. Review status: criteria provided, single submitter. Criteria: Invitae Variant Classification Sherloc (09022015). Collection method: clinical testing. Allele origin: germline.
Comment: In summary, the available evidence is currently insufficient to determine the role of this variant in disease. Therefore, it has been classified as a Variant of Uncertain Significance. Advanced modeling of protein sequence and biophysical properties (such as structural, functional, and spatial information, amino acid conservation, physicochemical variation, residue mobility, and thermodynamic stability) performed at Invitae indicates that this missense variant is not expected to disrupt CHD8 protein function. This variant has not been reported in the literature in individuals affected with CHD8-related conditions. This variant is present in population databases (rs769311687, gnomAD 0.01%). This sequence change replaces glycine, which is neutral and non-polar, with arginine, which is basic and polar, at codon 2245 of the CHD8 protein (p.Gly2245Arg).